The following is an entry in ClinVar:

ClinVar aggregate classification (germline): Uncertain significance. Review status: criteria provided, multiple submitters, no conflicts (2 of 4 stars). 3 submissions from 3 submitters: Uncertain significance (3). Last evaluated 2025-03-11.

Conditions:
WASHC5-related disorder. Also called: WASHC5-related condition.
Ritscher-Schinzel syndrome. Also called: CRANIOCEREBELLOCARDIAC DYSPLASIA. Identifiers: Orphanet 7, MedGen C0796137, MONDO:0019078.
Hereditary spastic paraplegia 8 (SPG8). Also called: SPASTIC PARAPLEGIA 8, AUTOSOMAL DOMINANT. Identifiers: Orphanet 100989, MedGen C1863704, MONDO:0011339, OMIM 603563.

Allele frequency attached by ClinVar (database versions not stated): gnomAD exomes below 0.00001 and 0.00002.
gnomAD v4.1: 23 of 1,613,650 alleles (0.0014%); highest among the groups gnomAD compares: Non-Finnish European, 0.0019%; no homozygotes.

Submissions (3):

PreventionGenetics, part of Exact Sciences
Classification: Uncertain significance for WASHC5-related condition. Last evaluated: 2025-03-11. Review status: criteria provided, single submitter. Criteria: ACMG Guidelines, 2015. Collection method: clinical testing. Allele origin: germline.
Comment: The WASHC5 c.1340C>T variant is predicted to result in the amino acid substitution p.Ser447Leu. To our knowledge, this variant has not been reported in the literature. This variant is reported in 0.00088% of alleles in individuals of European (Non-Finnish) descent in gnomAD. At this time, the clinical significance of this variant is uncertain due to the absence of conclusive functional and genetic evidence.

Labcorp Genetics (formerly Invitae), Labcorp
Classification: Uncertain significance for Ritscher-Schinzel syndrome; Hereditary spastic paraplegia 8. Last evaluated: 2024-05-19. Review status: criteria provided, single submitter. Criteria: Invitae Variant Classification Sherloc (09022015). Collection method: clinical testing. Allele origin: germline.
Comment: This sequence change replaces serine, which is neutral and polar, with leucine, which is neutral and non-polar, at codon 447 of the WASHC5 protein (p.Ser447Leu). This variant is present in population databases (no rsID available, gnomAD 0.0009%). This variant has not been reported in the literature in individuals affected with WASHC5-related conditions. ClinVar contains an entry for this variant (Variation ID: 361724). Advanced modeling of protein sequence and biophysical properties (such as structural, functional, and spatial information, amino acid conservation, physicochemical variation, residue mobility, and thermodynamic stability) performed at Invitae indicates that this missense variant is not expected to disrupt WASHC5 protein function with a negative predictive value of 80%. In summary, the available evidence is currently insufficient to determine the role of this variant in disease. Therefore, it has been classified as a Variant of Uncertain Significance.

Illumina Laboratory Services, Illumina
Classification: Uncertain significance for Hereditary spastic paraplegia 8. Last evaluated: 2018-01-13. Review status: criteria provided, single submitter. Criteria: ICSL Variant Classification Criteria 13 December 2019. Collection method: clinical testing. Allele origin: germline.

NM_014846.4(WASHC5):c.1340C>T (p.Ser447Leu)

Gene: WASHC5 (WASH complex subunit 5; minus strand). Cytogenetic location: 8q24.13.
Variant type: single nucleotide variant.
Coding change: c.1340C>T on transcript NM_014846.4 (MANE Select); coding-DNA position 1340, C replaced by T.
Protein change: p.Ser447Leu; replaces serine 447 with leucine.
Molecular consequence: missense variant.
Genome position (GRCh38, 1-based): chr8:125,063,590, G>A on the plus strand (C>T on the coding strand, the complement: WASHC5 is on the minus strand). VCF-style: chr8-125063590-G-A. GRCh37 (hg19) VCF-style: chr8-126075832-G-A.
Other names: c.896C>T, p.Ser299Leu (NM_001330609.2); short protein forms S447L, S299L.
Identifiers: ClinVar variation 361724 (VCV000361724.8), dbSNP rs886062654, ClinGen allele CA10624681.